The following is an entry in ClinVar:

ClinVar aggregate classification (germline): Likely pathogenic. Review status: criteria provided, single submitter (1 of 4 stars). 2 submissions from 2 submitters: Likely pathogenic (1). 1 of the submissions does not count toward it. Last evaluated 2026-03-05.

Conditions:
Breast-ovarian cancer, familial, susceptibility to, 1 (BROVCA1). Also called: BRCA1 Hereditary Breast and Ovarian Cancer; OVARIAN CANCER, SUSCEPTIBILITY TO. Identifiers: Orphanet 145, MedGen C2676676, MONDO:0011450, OMIM 604370. Disease mechanism: loss of function.
Familial cancer of breast. Also called: hereditary breast carcinoma; BREAST CANCER, FAMILIAL; Hereditary breast cancer. Identifiers: Orphanet 227535, MedGen C0346153, MONDO:0016419, OMIM 114480. Disease mechanism: loss of function.

Submissions (3):

Myriad Genetics, Inc.
Classification: Likely pathogenic for Breast-ovarian cancer, familial, susceptibility to, 1. Last evaluated: 2026-03-05. Review status: criteria provided, single submitter. Criteria: Myriad Autosomal Dominant, Autosomal Recessive and X-Linked Classification Criteria (2023). Collection method: clinical testing. Allele origin: unknown.
Comment: This variant is considered likely pathogenic. mRNA analysis has demonstrated abnormal mRNA splicing occurs [Myriad internal data]. This variant has shown to segregate with cancer in one or more families [Myriad internal data]. This variant is strongly associated with more severe personal and family histories of cancer, typical for individuals with pathogenic variants in this gene [PMID: 25085752].

Brotman Baty Institute, University of Washington
No classification provided (evidence only). Condition: Breast-ovarian cancer, familial 1. Review status: no classification provided. Collection method: in vitro. Allele origin: not applicable. Functional consequence: function_uncertain_variant. Not counted in ClinVar's aggregate classification.
ClinVar note: "not provided" was previously submitted as the classification for the variant. However, the classification appeared to be based only on an observation of functional data so it was converted to no classification on 2025-07-30.

ClinVar Staff, National Center for Biotechnology Information (NCBI)
No classification provided. Condition: Familial cancer of breast. Review status: no classification provided. Collection method: literature only. Allele origin: germline. Affected: yes. Not counted in ClinVar's aggregate classification.

Literature cited by the submitters: PubMed 25085752 (cited by Myriad Genetics, Inc.); PubMed 21213370 (cited by ClinVar Staff, National Center for Biotechnology Information (NCBI)).

NM_007294.4(BRCA1):c.5332G>T (p.Asp1778Tyr)

Gene: BRCA1 (BRCA1 DNA repair associated; minus strand). Cytogenetic location: 17q21.31.
Variant type: single nucleotide variant.
Coding change: c.5332G>T on transcript NM_007294.4 (MANE Select); coding-DNA position 5332, G replaced by T.
Protein change: p.Asp1778Tyr; replaces aspartic acid 1778 with tyrosine.
Molecular consequence: missense variant. On other transcripts: non-coding transcript variant (1).
Genome position (GRCh38, 1-based): chr17:43,051,063, C>A on the plus strand (G>T on the coding strand, the complement: BRCA1 is on the minus strand). VCF-style: chr17-43051063-C-A. GRCh37 (hg19) VCF-style: chr17-41203080-C-A.
Other names: c.5329G>T, p.Asp1777Tyr (NM_001407610.1, NM_001407611.1, NM_001407612.1 and 14 more transcripts); c.5326G>T, p.Asp1776Tyr (NM_001407629.1, NM_001407630.1, NM_001407631.1 and 13 more transcripts); c.5272G>T, p.Asp1758Tyr (NM_001407649.1); c.5254G>T, p.Asp1752Tyr (NM_001407652.1, NM_001407653.1, NM_001407654.1 and 1 more transcripts); c.5251G>T, p.Asp1751Tyr (NM_001407656.1, NM_001407657.1, NM_001407658.1); c.5248G>T, p.Asp1750Tyr (NM_001407659.1, NM_001407660.1, NM_001407661.1 and 2 more transcripts); c.5206G>T, p.Asp1736Tyr (NM_001407670.1, NM_001407671.1, NM_001407672.1 and 8 more transcripts); c.5200G>T, p.Asp1734Tyr (NM_001407690.1, NM_001407691.1); and 82 more; short protein forms D1778Y, G674W, D1731Y, D1799Y, D674Y, D1651Y, D1666Y, D1667Y.
Identifiers: ClinVar variation 55532 (VCV000055532.5), dbSNP rs80357112, ClinGen allele CA003493.